The following is an entry in ClinVar:

NM_001003841.3(SLC6A19):c.1687T>A (p.Trp563Arg)

Gene: SLC6A19 (solute carrier family 6 member 19; plus strand). Cytogenetic location: 5p15.33.
Variant type: single nucleotide variant.
Coding change: c.1687T>A on transcript NM_001003841.3 (MANE Select); coding-DNA position 1687, T replaced by A.
Protein change: p.Trp563Arg; replaces tryptophan 563 with arginine.
Molecular consequence: missense variant.
Genome position (GRCh38, 1-based): chr5:1,221,299, T>A. VCF-style: chr5-1221299-T-A. GRCh37 (hg19) VCF-style: chr5-1221414-T-A.
Other names: short protein forms W563R.
Identifiers: ClinVar variation 1358665 (VCV001358665.8), dbSNP rs1746374164, ClinGen allele CA359077442.
Genomic context (GRCh38, chr5:1,221,299, plus strand): 5'-CTGATCATCTTCCTCTTCTTCTTCGTGGTAGAGGTCAGTCAGGAGCTGACCTACAGCATC[T>A]GGGACCCTGGCTACGTAAGTGTCCAGGCAGTCGCCTGGGGTGGGGAGAGGAATGGGGAAG-3'
Protein context (NP_001003841.1, residues 553-573): EVSQELTYSI[Trp563Arg]DPGYEEFPKS

ClinVar aggregate classification (germline): Uncertain significance (1 of 4 stars; one submission).

Allele frequency attached by ClinVar (database versions not stated): TOPMed below 0.00001; gnomAD 0.00001.
gnomAD v4.1: 1 of 1,613,614 alleles (0.000062%); highest among the groups gnomAD compares: Non-Finnish European, 0.000085%; no homozygotes.

Submission:

Labcorp Genetics (formerly Invitae), Labcorp
Classification: Uncertain significance. Last evaluated: 2021-02-16. Review status: criteria provided, single submitter. Criteria: Invitae Variant Classification Sherloc (09022015). Collection method: clinical testing. Allele origin: germline.
Comment: In summary, the available evidence is currently insufficient to determine the role of this variant in disease. Therefore, it has been classified as a Variant of Uncertain Significance. Algorithms developed to predict the effect of missense changes on protein structure and function (SIFT, PolyPhen-2, Align-GVGD) all suggest that this variant is likely to be disruptive, but these predictions have not been confirmed by published functional studies and their clinical significance is uncertain. This variant has not been reported in the literature in individuals with SLC6A19-related conditions. This variant is not present in population databases (ExAC no frequency). This sequence change replaces tryptophan with arginine at codon 563 of the SLC6A19 protein (p.Trp563Arg). The tryptophan residue is highly conserved and there is a moderate physicochemical difference between tryptophan and arginine.